The following is an entry in ClinVar:

ClinVar aggregate classification (germline): Likely benign (1 of 4 stars; one submission).

Allele frequency attached by ClinVar (database versions not stated): gnomAD 0.00002; TOPMed 0.00005; ExAC 0.00010; 1000 Genomes Project 0.00020; 1000 Genomes Project 30x 0.00031.
gnomAD v4.1: 79 of 1,613,894 alleles (0.0049%); highest among the groups gnomAD compares: Admixed American, 0.02%; no homozygotes.

Submission:

CeGaT Center for Human Genetics Tuebingen
Classification: Likely benign. Last evaluated: 2022-11-01. Review status: criteria provided, single submitter. Criteria: CeGaT Center For Human Genetics Tuebingen Variant Classification Criteria Version 2. Collection method: clinical testing. Allele origin: germline. Affected: yes. Observed: 1 variant allele.
Comment: HERC4: BP4, BP7

NM_015601.4(HERC4):c.1185G>A (p.Pro395=)

Gene: HERC4 (HECT and RLD domain containing E3 ubiquitin protein ligase 4; minus strand). Cytogenetic location: 10q21.3.
Variant type: single nucleotide variant.
Coding change: c.1185G>A on transcript NM_015601.4 (MANE Select); coding-DNA position 1185, G replaced by A.
Protein change: p.Pro395=; no amino-acid change (proline 395 retained).
Molecular consequence: synonymous variant.
Genome position (GRCh38, 1-based): chr10:67,992,285, C>T on the plus strand (G>A on the coding strand, the complement: HERC4 is on the minus strand). VCF-style: chr10-67992285-C-T. GRCh37 (hg19) VCF-style: chr10-69752042-C-T.
Other names: c.1185G>A, p.Pro395= (NM_001278185.2, NM_022079.3); c.420G>A, p.Pro140= (NM_001278186.2).
Identifiers: ClinVar variation 2640522 (VCV002640522.24), dbSNP rs371703905, ClinGen allele CA5521900.